The following is an entry in ClinVar:

NM_000122.2(ERCC3):c.1727A>G (p.Asn576Ser)

Gene: ERCC3 (ERCC excision repair 3, TFIIH core complex helicase subunit; minus strand). Cytogenetic location: 2q14.3.
Variant type: single nucleotide variant.
Coding change: c.1727A>G on transcript NM_000122.2 (MANE Select); coding-DNA position 1727, A replaced by G.
Protein change: p.Asn576Ser; replaces asparagine 576 with serine.
Molecular consequence: missense variant.
Genome position (GRCh38, 1-based): chr2:127,279,176, T>C on the plus strand (A>G on the coding strand, the complement: ERCC3 is on the minus strand). VCF-style: chr2-127279176-T-C. GRCh37 (hg19) VCF-style: chr2-128036752-T-C.
Other names: c.1535A>G, p.Asn512Ser (NM_001303416.2, NM_001303418.2); c.1727A>G (NM_000122.1); short protein forms N512S, N576S.
Identifiers: ClinVar variation 1498443 (VCV001498443.5), dbSNP rs1361480597, ClinGen allele CA348388288.

ClinVar aggregate classification (germline): Uncertain significance. Review status: criteria provided, multiple submitters, no conflicts (2 of 4 stars). 2 submissions from 2 submitters: Uncertain significance (2). Last evaluated 2025-06-07.

Conditions:
Inborn genetic diseases. Identifiers: MedGen C0950123, MeSH D030342.

Allele frequency attached by ClinVar (database versions not stated): gnomAD exomes 0.00006 and 0.00002; TOPMed 0.00012; gnomAD 0.00013.
gnomAD v4.1: 43 of 1,606,938 alleles (0.0027%); highest among the groups gnomAD compares: Admixed American, 0.057%; no homozygotes.

Submissions (2):

Ambry Genetics
Classification: Uncertain significance for Inborn genetic diseases. Last evaluated: 2025-06-07. Review status: criteria provided, single submitter. Criteria: Ambry Variant Classification Scheme 2023. Collection method: clinical testing. Allele origin: germline.

Labcorp Genetics (formerly Invitae), Labcorp
Classification: Uncertain significance. Last evaluated: 2021-11-18. Review status: criteria provided, single submitter. Criteria: Invitae Variant Classification Sherloc (09022015). Collection method: clinical testing. Allele origin: germline.
Comment: In summary, the available evidence is currently insufficient to determine the role of this variant in disease. Therefore, it has been classified as a Variant of Uncertain Significance. Algorithms developed to predict the effect of missense changes on protein structure and function (SIFT, PolyPhen-2, Align-GVGD) all suggest that this variant is likely to be tolerated. This variant has not been reported in the literature in individuals affected with ERCC3-related conditions. This variant is present in population databases (no rsID available, gnomAD 0.04%). This sequence change replaces asparagine, which is neutral and polar, with serine, which is neutral and polar, at codon 576 of the ERCC3 protein (p.Asn576Ser).